The following is an entry in ClinVar:

NM_000458.4(HNF1B):c.195C>T (p.Leu65=)

Gene: HNF1B (HNF1 homeobox B; minus strand). Cytogenetic location: 17q12.
Variant type: single nucleotide variant.
Coding change: c.195C>T on transcript NM_000458.4 (MANE Select); coding-DNA position 195, C replaced by T.
Protein change: p.Leu65=; no amino-acid change (leucine 65 retained).
Molecular consequence: synonymous variant.
Genome position (GRCh38, 1-based): chr17:37,744,690, G>A on the plus strand (C>T on the coding strand, the complement: HNF1B is on the minus strand). VCF-style: chr17-37744690-G-A. GRCh37 (hg19) VCF-style: chr17-36104681-G-A.
Other names: c.195C>T, p.Leu65= (NM_001165923.4, NM_001304286.2, NM_001411100.1); c.195C>T (NM_000458.3, NM_000458.2).
Identifiers: ClinVar variation 2720619 (VCV002720619.6), dbSNP rs1454245690, ClinGen allele CA499880138.

ClinVar aggregate classification (germline): Likely benign. Review status: criteria provided, multiple submitters, no conflicts (2 of 4 stars). 3 submissions from 3 submitters: Likely benign (2). 1 of the submissions does not count toward it. Last evaluated 2024-06-13.

Conditions:
HNF1B-related disorder. Also called: HNF1B-related disorders; HNF1B-related condition.

Allele frequency attached by ClinVar (database versions not stated): gnomAD exomes 0.00002.
gnomAD v4.1: 26 of 1,613,578 alleles (0.0016%); highest among the groups gnomAD compares: Non-Finnish European, 0.0022%; no homozygotes.

Submissions (3):

Athena Diagnostics
Classification: Likely benign. Last evaluated: 2024-06-13. Review status: criteria provided, single submitter. Criteria: Athena Diagnostics Criteria. Collection method: clinical testing. Allele origin: unknown.

Labcorp Genetics (formerly Invitae), Labcorp
Classification: Likely benign. Last evaluated: 2023-08-07. Review status: criteria provided, single submitter. Criteria: Invitae Variant Classification Sherloc (09022015). Collection method: clinical testing. Allele origin: germline.

PreventionGenetics, part of Exact Sciences
Classification: Likely benign for HNF1B-related condition. Last evaluated: 2023-12-19. Review status: no assertion criteria provided. Collection method: clinical testing. Allele origin: germline. Not counted in ClinVar's aggregate classification.
Comment: This variant is classified as likely benign based on ACMG/AMP sequence variant interpretation guidelines (Richards et al. 2015 PMID: 25741868, with internal and published modifications).